The following is an entry in ClinVar:

ClinVar aggregate classification (germline): Uncertain significance. Review status: criteria provided, multiple submitters, no conflicts (2 of 4 stars). 2 submissions from 2 submitters: Uncertain significance (2). Last evaluated 2025-08-24.

Conditions:
Inborn genetic diseases. Identifiers: MedGen C0950123, MeSH D030342.
Developmental and epileptic encephalopathy, 25 (DEE25). Also called: Epileptic encephalopathy, early infantile, 25; Developmental and epileptic encephalopathy 25, with amelogenesis imperfecta; Epileptic encephalopathy, early infantile, 25, with amelogenesis imperfecta. Identifiers: Orphanet 442835, MedGen C4014621, MONDO:0014392, OMIM 615905.

Allele frequency attached by ClinVar (database versions not stated): TOPMed 0.00001; gnomAD exomes below 0.00001; gnomAD 0.00001.
gnomAD v4.1: 3 of 1,614,000 alleles (0.00019%); highest among the groups gnomAD compares: East Asian, 0.0022%; no homozygotes.

Submissions (2):

Ambry Genetics
Classification: Uncertain significance for Inborn genetic diseases. Last evaluated: 2025-08-24. Review status: criteria provided, single submitter. Criteria: Ambry Variant Classification Scheme 2023. Collection method: clinical testing. Allele origin: germline.

Labcorp Genetics (formerly Invitae), Labcorp
Classification: Uncertain significance for Developmental and epileptic encephalopathy, 25. Last evaluated: 2021-09-01. Review status: criteria provided, single submitter. Criteria: Invitae Variant Classification Sherloc (09022015). Collection method: clinical testing. Allele origin: germline.
Comment: This sequence change replaces valine with methionine at codon 248 of the SLC13A5 protein (p.Val248Met). The valine residue is weakly conserved and there is a small physicochemical difference between valine and methionine. This variant is not present in population databases (ExAC no frequency). This variant has not been reported in the literature in individuals affected with SLC13A5-related conditions. Algorithms developed to predict the effect of missense changes on protein structure and function output the following: SIFT: "Tolerated"; PolyPhen-2: "Benign"; Align-GVGD: "Class C0". The methionine amino acid residue is found in multiple mammalian species, which suggests that this missense change does not adversely affect protein function. In summary, the available evidence is currently insufficient to determine the role of this variant in disease. Therefore, it has been classified as a Variant of Uncertain Significance.

NM_177550.5(SLC13A5):c.742G>A (p.Val248Met)

Gene: SLC13A5 (solute carrier family 13 member 5; minus strand). Cytogenetic location: 17p13.1.
Variant type: single nucleotide variant.
Coding change: c.742G>A on transcript NM_177550.5 (MANE Select); coding-DNA position 742, G replaced by A.
Protein change: p.Val248Met; replaces valine 248 with methionine.
Molecular consequence: missense variant.
Genome position (GRCh38, 1-based): chr17:6,701,101, C>T on the plus strand (G>A on the coding strand, the complement: SLC13A5 is on the minus strand). VCF-style: chr17-6701101-C-T. GRCh37 (hg19) VCF-style: chr17-6604420-C-T.
Other names: c.742G>A (NM_177550.3); c.742G>A, p.Val248Met (NM_001143838.3); c.691G>A, p.Val231Met (NM_001284509.2); c.613G>A, p.Val205Met (NM_001284510.2); short protein forms V205M, V231M, V248M.
Identifiers: ClinVar variation 1036173 (VCV001036173.7), dbSNP rs1295906896, ClinGen allele CA397747375.